The following is an entry in ClinVar:

NM_003356.4(UCP3):c.100C>G (p.Leu34Val)

Gene: UCP3 (uncoupling protein 3; minus strand). Cytogenetic location: 11q13.4.
Variant type: single nucleotide variant.
Coding change: c.100C>G on transcript NM_003356.4 (MANE Select); coding-DNA position 100, C replaced by G.
Protein change: p.Leu34Val; replaces leucine 34 with valine.
Molecular consequence: missense variant.
Genome position (GRCh38, 1-based): chr11:74,006,943, G>C on the plus strand (C>G on the coding strand, the complement: UCP3 is on the minus strand). VCF-style: chr11-74006943-G-C. GRCh37 (hg19) VCF-style: chr11-73717988-G-C.
Other names: c.100C>G, p.Leu34Val (NM_022803.3); c.100C>G (NM_003356.3); short protein forms L34V.
Identifiers: ClinVar variation 2080685 (VCV002080685.7), dbSNP rs753004564, ClinGen allele CA6181653.
Genomic context (GRCh38, chr11:74,006,943, plus strand): 5'-TGTGATCAATGACCCTTGGCCAAAGGGCACCTACCTGCAGGCGGACCTTGGCTGTGTCCA[G>C]TGGAAAGGTAACGAGGTCAGCAAAACAGGCTGCTGTGCCTGCCCCCAGGAACTTCACAGC-3'
Protein context (NP_003347.1, residues 24-44): ACFADLVTFP[Leu34Val]DTAKVRLQIQ

ClinVar aggregate classification (germline): Uncertain significance. Review status: criteria provided, multiple submitters, no conflicts (2 of 4 stars). 3 submissions from 3 submitters: Uncertain significance (3). Last evaluated 2026-06-30.

Conditions:
UCP3-related disorder. Also called: UCP3-related condition.

Allele frequency attached by ClinVar (database versions not stated): gnomAD 0.00001; TOPMed 0.00002; gnomAD exomes 0.00003; ExAC 0.00005.
gnomAD v4.1: 20 of 1,614,120 alleles (0.0012%); highest among the groups gnomAD compares: Admixed American, 0.03%; no homozygotes.

Submissions (3):

PreventionGenetics, part of Exact Sciences
Classification: Uncertain significance for UCP3-related condition. Last evaluated: 2026-06-30. Review status: criteria provided, single submitter. Criteria: ACMG Guidelines, 2015. Collection method: clinical testing. Allele origin: germline.
Comment: The UCP3 c.100C>G variant is predicted to result in the amino acid substitution p.Leu34Val. To our knowledge, this variant has not been reported in the literature. This variant is reported in 0.046% of alleles in individuals of Latino descent in gnomAD. At this time, the clinical significance of this variant is uncertain due to the absence of conclusive functional and genetic evidence.

Ambry Genetics
Classification: Uncertain significance. Last evaluated: 2023-11-18. Review status: criteria provided, single submitter. Criteria: Ambry Variant Classification Scheme 2023. Collection method: clinical testing. Allele origin: germline.

Labcorp Genetics (formerly Invitae), Labcorp
Classification: Uncertain significance. Last evaluated: 2022-08-31. Review status: criteria provided, single submitter. Criteria: Invitae Variant Classification Sherloc (09022015). Collection method: clinical testing. Allele origin: germline.
Comment: In summary, the available evidence is currently insufficient to determine the role of this variant in disease. Therefore, it has been classified as a Variant of Uncertain Significance. Algorithms developed to predict the effect of missense changes on protein structure and function are either unavailable or do not agree on the potential impact of this missense change (SIFT: "Deleterious"; PolyPhen-2: "Benign"; Align-GVGD: "Class C0"). This variant has not been reported in the literature in individuals affected with UCP3-related conditions. This variant is present in population databases (rs753004564, gnomAD 0.05%). This sequence change replaces leucine, which is neutral and non-polar, with valine, which is neutral and non-polar, at codon 34 of the UCP3 protein (p.Leu34Val).